The following is an entry in ClinVar:

NM_000038.6(APC):c.7595A>G (p.His2532Arg)

Gene: APC (APC regulator of Wnt signaling pathway; plus strand). Cytogenetic location: 5q22.2.
Variant type: single nucleotide variant.
Coding change: c.7595A>G on transcript NM_000038.6 (MANE Select); coding-DNA position 7595, A replaced by G.
Protein change: p.His2532Arg; replaces histidine 2532 with arginine.
Molecular consequence: missense variant.
Genome position (GRCh38, 1-based): chr5:112,843,189, A>G. VCF-style: chr5-112843189-A-G. GRCh37 (hg19) VCF-style: chr5-112178886-A-G.
Other names: c.7595A>G, p.His2532Arg (NM_001127510.3, NM_001354895.2); c.7541A>G, p.His2514Arg (NM_001127511.3); c.7649A>G, p.His2550Arg (NM_001354896.2); c.7625A>G, p.His2542Arg (NM_001354897.2); c.7520A>G, p.His2507Arg (NM_001354898.2); c.7511A>G, p.His2504Arg (NM_001354899.2); c.7472A>G, p.His2491Arg (NM_001354900.2); c.7418A>G, p.His2473Arg (NM_001354901.2); and 5 more; short protein forms H2406R, H2532R, H2550R, H2249R, H2542R, H2473R, H2491R, H2507R.
Identifiers: ClinVar variation 827145 (VCV000827145.15), dbSNP rs752702756, ClinGen allele CA048653.

ClinVar aggregate classification (germline): Uncertain significance. Review status: criteria provided, multiple submitters, no conflicts (2 of 4 stars). 5 submissions from 5 submitters: Uncertain significance (5). Last evaluated 2024-02-20.

Conditions:
Hereditary cancer-predisposing syndrome. Also called: Neoplastic Syndromes, Hereditary; Tumor predisposition; Hereditary neoplastic syndrome; Hereditary Cancer Syndrome. Identifiers: Orphanet 140162, MedGen C0027672, MeSH D009386, MONDO:0015356.
Classic or attenuated familial adenomatous polyposis. Identifiers: MedGen CN372698, MONDO:0021057.
Familial adenomatous polyposis 1 (FAP1). Also called: POLYPOSIS, ADENOMATOUS INTESTINAL; FAMILIAL ADENOMATOUS POLYPOSIS 1, ATTENUATED. Identifiers: MedGen C2713442, MONDO:0021056, OMIM 175100. Disease mechanism: loss of function.
APC-related disorder. Also called: APC-related condition.

Allele frequency attached by ClinVar (database versions not stated): gnomAD exomes 0.00001; ExAC 0.00002.
gnomAD v4.1: 8 of 1,613,432 alleles (0.0005%); highest among the groups gnomAD compares: Non-Finnish European, 0.00051%; no homozygotes.

Submissions (5):

Ambry Genetics
Classification: Uncertain significance for Hereditary cancer-predisposing syndrome. Last evaluated: 2024-02-20. Review status: criteria provided, single submitter. Criteria: Ambry Variant Classification Scheme 2023. Collection method: clinical testing. Allele origin: germline.
Comment: The p.H2532R variant (also known as c.7595A>G), located in coding exon 15 of the APC gene, results from an A to G substitution at nucleotide position 7595. The histidine at codon 2532 is replaced by arginine, an amino acid with highly similar properties. This amino acid position is well conserved in available vertebrate species. In addition, in silico predictors for this gene do not accurately predict pathogenicity. Since supporting evidence is limited at this time, the clinical significance of this alteration remains unclear.

All of Us Research Program, National Institutes of Health
Classification: Uncertain significance for Classic or attenuated familial adenomatous polyposis. Last evaluated: 2023-11-20. Review status: criteria provided, single submitter. Criteria: ACMG Guidelines, 2015. Collection method: clinical testing. Allele origin: germline. Inheritance: Autosomal dominant inheritance. Observed: 1 variant allele, 1 heterozygote.
Comment: This missense variant replaces histidine with arginine at codon 2532 of the APC protein. Computational prediction suggests that this variant may not impact protein structure and function (internally defined REVEL score threshold <= 0.5, PMID: 27666373). To our knowledge, functional studies have not been reported for this variant. This variant has not been reported in individuals affected with APC-related disorders in the literature. This variant has been identified in 2/250682 chromosomes in the general population by the Genome Aggregation Database (gnomAD). The available evidence is insufficient to determine the role of this variant in disease conclusively. Therefore, this variant is classified as a Variant of Uncertain Significance.

This study involves interpretation of variants in research participants for the purpose of population health screening. Participant phenotype was not available at the time of variant classification. Additional details can be found in publication PMID: 35346344, PMCID: PMC8962531

Baylor Genetics
Classification: Uncertain significance for Familial adenomatous polyposis 1. Last evaluated: 2023-01-27. Review status: criteria provided, single submitter. Criteria: ACMG Guidelines, 2015. Collection method: clinical testing. Allele origin: unknown.

PreventionGenetics, part of Exact Sciences
Classification: Uncertain significance for APC-related condition. Last evaluated: 2022-10-10. Review status: criteria provided, single submitter. Criteria: ACMG Guidelines, 2015. Collection method: clinical testing. Allele origin: germline.
Comment: The APC c.7595A>G variant is predicted to result in the amino acid substitution p.His2532Arg. To our knowledge, this variant has not been reported in the literature. This variant is reported in 0.00088% of alleles in individuals of European (Non-Finnish) descent in gnomAD. In ClinVar, this variant is interpreted as uncertain. At this time, the clinical significance of this variant is uncertain due to the absence of conclusive functional and genetic evidence.

Labcorp Genetics (formerly Invitae), Labcorp
Classification: Uncertain significance for Familial adenomatous polyposis 1. Last evaluated: 2021-09-10. Review status: criteria provided, single submitter. Criteria: Invitae Variant Classification Sherloc (09022015). Collection method: clinical testing. Allele origin: germline.
Comment: This sequence change replaces histidine with arginine at codon 2532 of the APC protein (p.His2532Arg). The histidine residue is highly conserved and there is a small physicochemical difference between histidine and arginine. In summary, the available evidence is currently insufficient to determine the role of this variant in disease. Therefore, it has been classified as a Variant of Uncertain Significance. Algorithms developed to predict the effect of missense changes on protein structure and function are either unavailable or do not agree on the potential impact of this missense change (SIFT: "Deleterious"; PolyPhen-2: "Probably Damaging"; Align-GVGD: "Class C0"). ClinVar contains an entry for this variant (Variation ID: 827145). This variant has not been reported in the literature in individuals affected with APC-related conditions. This variant is present in population databases (rs752702756, ExAC 0.003%).